The following is an entry in ClinVar:

ClinVar aggregate classification (germline): Uncertain significance (1 of 4 stars; one submission).

Conditions:
Familial thoracic aortic aneurysm and aortic dissection (TAAD). Also called: Thoracic aortic aneurysms and dissections. Identifiers: Orphanet 91387, MedGen C4707243, MONDO:0019625.

Submission:

Ambry Genetics
Classification: Uncertain significance for Familial thoracic aortic aneurysm and aortic dissection. Last evaluated: 2025-07-22. Review status: criteria provided, single submitter. Criteria: Ambry Variant Classification Scheme 2023. Collection method: clinical testing. Allele origin: germline.
Comment: The p.S199P variant (also known as c.595T>C), located in coding exon 5 of the CBS gene, results from a T to C substitution at nucleotide position 595. The serine at codon 199 is replaced by proline, an amino acid with similar properties. This amino acid position is conserved. In addition, this alteration is predicted to be deleterious by in silico analysis. Based on the available evidence, the clinical significance of this variant remains unclear.

NM_000071.3(CBS):c.595T>C (p.Ser199Pro)

Gene: CBS (cystathionine beta-synthase; minus strand). Cytogenetic location: 21q22.3.
Variant type: single nucleotide variant.
Coding change: c.595T>C on transcript NM_000071.3 (MANE Select); coding-DNA position 595, T replaced by C.
Protein change: p.Ser199Pro; replaces serine 199 with proline.
Molecular consequence: missense variant.
Genome position (GRCh38, 1-based): chr21:43,065,458, A>G on the plus strand (T>C on the coding strand, the complement: CBS is on the minus strand). VCF-style: chr21-43065458-A-G. GRCh37 (hg19) VCF-style: chr21-44485568-A-G.
Other names: c.595T>C, p.Ser199Pro (NM_001178008.3, NM_001178009.3, NM_001320298.2); c.280T>C, p.Ser94Pro (NM_001321072.1); short protein forms S94P, S199P.
Identifiers: ClinVar variation 4220036 (VCV004220036.1).
Genomic context (GRCh38, chr21:43,065,458, plus strand): 5'-TGTGAGAATTGGGGATTTCGTTCTTCAGCCGCCAGGCCACCCCCACGTGTGACTCCGGGG[A>G]GTCGAACCTGGCATTGGTGGGCGTCCTCACAATCTCAGCCCCCAGTGCCCGCAGCACGTC-3'
Protein context (NP_000062.1, residues 189-209): VRTPTNARFD[Ser199Pro]PESHVGVAWR